The following is an entry in ClinVar:

ClinVar aggregate classification (germline): Conflicting classifications of pathogenicity. Review status: criteria provided, conflicting classifications (1 of 4 stars). 4 submissions from 4 submitters: Uncertain significance (3); Likely benign (1). Last evaluated 2025-12-21.

Conditions:
Hereditary cancer-predisposing syndrome. Also called: Tumor predisposition; Hereditary neoplastic syndrome; Hereditary Cancer Syndrome; Neoplastic Syndromes, Hereditary. Identifiers: Orphanet 140162, MedGen C0027672, MeSH D009386, MONDO:0015356.
Hereditary breast ovarian cancer syndrome. Also called: Hereditary breast and ovarian cancer; Breast and ovarian cancer; BRCA1- and BRCA2-Associated Hereditary Breast and Ovarian Cancer; Hereditary breast and ovarian cancer syndrome (HBOC); Hereditary breast and/or ovarian cancer syndrome; Hereditary breast and ovarian cancer syndrome. Identifiers: Orphanet 145, MedGen C0677776, MeSH D061325, MONDO:0003582. Disease mechanism: loss of function.

Submissions (4):

Labcorp Genetics (formerly Invitae), Labcorp
Classification: Uncertain significance for Hereditary breast ovarian cancer syndrome. Last evaluated: 2025-12-21. Review status: criteria provided, single submitter. Criteria: Invitae Variant Classification Sherloc (09022015). Collection method: clinical testing. Allele origin: germline.
Comment: This sequence change replaces isoleucine, which is neutral and non-polar, with methionine, which is neutral and non-polar, at codon 2209 of the BRCA2 protein (p.Ile2209Met). This variant is not present in population databases (gnomAD no frequency). This variant has not been reported in the literature in individuals affected with BRCA2-related conditions. ClinVar contains an entry for this variant (Variation ID: 917568). Invitae Evidence Modeling of protein sequence and biophysical properties (such as structural, functional, and spatial information, amino acid conservation, physicochemical variation, residue mobility, and thermodynamic stability) indicates that this missense variant is not expected to disrupt BRCA2 protein function with a negative predictive value of 95%. In summary, the available evidence is currently insufficient to determine the role of this variant in disease. Therefore, it has been classified as a Variant of Uncertain Significance.

Ambry Genetics
Classification: Uncertain significance for Hereditary cancer-predisposing syndrome. Last evaluated: 2025-12-16. Review status: criteria provided, single submitter. Criteria: Ambry Variant Classification Scheme 2023. Collection method: clinical testing. Allele origin: germline.
Comment: The p.I2209M variant (also known as c.6627A>G), located in coding exon 10 of the BRCA2 gene, results from an A to G substitution at nucleotide position 6627. The isoleucine at codon 2209 is replaced by methionine, an amino acid with highly similar properties. This amino acid position is conserved. In addition, this alteration is predicted to be tolerated by in silico analysis. Since supporting evidence is limited at this time, the clinical significance of this alteration remains unclear.

University of Washington Department of Laboratory Medicine, University of Washington
Classification: Likely benign for Hereditary cancer-predisposing syndrome. Last evaluated: 2023-03-23. Review status: criteria provided, single submitter. Criteria: Dines et al. (Genet Med. 2020). Collection method: curation. Allele origin: germline.
Comment: Missense variant in a coldspot region where missense variants are very unlikely to be pathogenic (PMID:31911673).

BRCA2 exon 11 coldspot. Reclassification based on statistical prior probability.

Women's Health and Genetics/Laboratory Corporation of America, LabCorp
Classification: Uncertain significance. Last evaluated: 2020-01-21. Review status: criteria provided, single submitter. Criteria: LabCorp Variant Classification Summary - May 2015. Collection method: clinical testing. Allele origin: germline.
Comment: Variant summary: BRCA2 c.6627A>G (p.Ile2209Met) results in a conservative amino acid change in the encoded protein sequence. Five of five in-silico tools predict a benign effect of the variant on protein function. The variant was absent in 244612 control chromosomes (gnomAD). The available data on variant occurrences in the general population are insufficient to allow any conclusion about variant significance. To our knowledge, no occurrence of c.6627A>G in individuals affected with Hereditary Breast and Ovarian Cancer and no experimental evidence demonstrating its impact on protein function have been reported. No clinical diagnostic laboratories have submitted clinical-significance assessments for this variant to ClinVar after 2014. Based on the evidence outlined above, the variant was classified as uncertain significance.

NM_000059.4(BRCA2):c.6627A>G (p.Ile2209Met)

Gene: BRCA2 (BRCA2 DNA repair associated; plus strand). Cytogenetic location: 13q13.1.
Variant type: single nucleotide variant.
Coding change: c.6627A>G on transcript NM_000059.4 (MANE Select); coding-DNA position 6627, A replaced by G.
Protein change: p.Ile2209Met; replaces isoleucine 2209 with methionine.
Molecular consequence: missense variant.
Genome position (GRCh38, 1-based): chr13:32,340,982, A>G. VCF-style: chr13-32340982-A-G. GRCh37 (hg19) VCF-style: chr13-32915119-A-G.
Other names: short protein forms I2209M.
Identifiers: ClinVar variation 917568 (VCV000917568.7), dbSNP rs147275663, ClinGen allele CA387790251.